The following is an entry in ClinVar:

ClinVar aggregate classification (germline): Likely pathogenic (1 of 4 stars; one submission).

Conditions:
PRPH2-related disorder. Also called: PRPH2-related disorders; PRPH2-related condition. Identifiers: MedGen CN239395.

Submission:

Labcorp Genetics (formerly Invitae), Labcorp
Classification: Likely pathogenic for PRPH2-related disorder. Last evaluated: 2022-11-12. Review status: criteria provided, single submitter. Criteria: Invitae Variant Classification Sherloc (09022015). Collection method: clinical testing. Allele origin: germline.
Comment: This sequence change replaces valine, which is neutral and non-polar, with alanine, which is neutral and non-polar, at codon 200 of the PRPH2 protein (p.Val200Ala). This variant is not present in population databases (gnomAD no frequency). This variant has not been reported in the literature in individuals affected with PRPH2-related conditions. ClinVar contains an entry for this variant (Variation ID: 1503231). Algorithms developed to predict the effect of missense changes on protein structure and function (SIFT, PolyPhen-2, Align-GVGD) all suggest that this variant is likely to be disruptive. This variant disrupts the p.Val200 amino acid residue in PRPH2. Other variant(s) that disrupt this residue have been determined to be pathogenic (PMID: 8912967). This suggests that this residue is clinically significant, and that variants that disrupt this residue are likely to be disease-causing. In summary, the currently available evidence indicates that the variant is pathogenic, but additional data are needed to prove that conclusively. Therefore, this variant has been classified as Likely Pathogenic.

Literature cited by the submitters: PubMed 8912967.

NM_000322.5(PRPH2):c.599T>C (p.Val200Ala)

Gene: PRPH2 (peripherin 2; minus strand). Cytogenetic location: 6p21.1.
Variant type: single nucleotide variant.
Coding change: c.599T>C on transcript NM_000322.5 (MANE Select); coding-DNA position 599, T replaced by C.
Protein change: p.Val200Ala; replaces valine 200 with alanine.
Molecular consequence: missense variant.
Genome position (GRCh38, 1-based): chr6:42,704,594, A>G on the plus strand (T>C on the coding strand, the complement: PRPH2 is on the minus strand). VCF-style: chr6-42704594-A-G. GRCh37 (hg19) VCF-style: chr6-42672332-A-G.
Other names: short protein forms V200A.
Identifiers: ClinVar variation 1503231 (VCV001503231.8), dbSNP rs62645932, ClinGen allele CA364135789.